The following is an entry in ClinVar:

NM_000089.4(COL1A2):c.1404C>T (p.Val468=)

Gene: COL1A2 (collagen type I alpha 2 chain; plus strand). Cytogenetic location: 7q21.3.
Variant type: single nucleotide variant.
Coding change: c.1404C>T on transcript NM_000089.4 (MANE Select); coding-DNA position 1404, C replaced by T.
Protein change: p.Val468=; no amino-acid change (valine 468 retained).
Molecular consequence: synonymous variant.
Genome position (GRCh38, 1-based): chr7:94,412,121, C>T. VCF-style: chr7-94412121-C-T. GRCh37 (hg19) VCF-style: chr7-94041433-C-T.
Identifiers: ClinVar variation 1422627 (VCV001422627.10), dbSNP rs773852385, ClinGen allele CA4347029.

ClinVar aggregate classification (germline): Conflicting classifications of pathogenicity. Review status: criteria provided, conflicting classifications (1 of 4 stars). 2 submissions from 2 submitters: Uncertain significance (1); Likely benign (1). Last evaluated 2025-11-04.

Conditions:
Cardiovascular phenotype. Identifiers: MedGen CN230736.
Ehlers-Danlos syndrome, classic type, 1 (EDSCL1). Also called: EHLERS-DANLOS SYNDROME, GRAVIS TYPE; EHLERS-DANLOS SYNDROME, SEVERE CLASSIC TYPE; Ehlers-Danlos syndrome, type 1; Ehlers-Danlos Syndrome, Classic Type, COL5A1-Related; EDS I. Identifiers: MedGen C0268335, MONDO:0019567, OMIM 130000.
Osteogenesis imperfecta type I (OI1). Also called: OI, TYPE I; OSTEOGENESIS IMPERFECTA TARDA; OSTEOGENESIS IMPERFECTA WITH BLUE SCLERAE; Osteogenesis imperfecta type 1; Lobstein's Disease; Lobstein disease. Identifiers: Orphanet 216796, Orphanet 666, MedGen C0023931, MONDO:0008146, OMIM 166200. Disease mechanism: loss of function.

Allele frequency attached by ClinVar (database versions not stated): TOPMed below 0.00001; ExAC 0.00001; gnomAD exomes 0.00001; gnomAD 0.00001.
gnomAD v4.1: 14 of 1,611,336 alleles (0.00087%); highest among the groups gnomAD compares: Admixed American, 0.0017%; no homozygotes.

Submissions (2):

Labcorp Genetics (formerly Invitae), Labcorp
Classification: Uncertain significance for Osteogenesis imperfecta type I; Ehlers-Danlos syndrome, classic type, 1. Last evaluated: 2025-11-04. Review status: criteria provided, single submitter. Criteria: Invitae Variant Classification Sherloc (09022015). Collection method: clinical testing. Allele origin: germline.
Comment: This sequence change affects codon 468 of the COL1A2 mRNA. It is a 'silent' change, meaning that it does not change the encoded amino acid sequence of the COL1A2 protein. It affects a nucleotide within the consensus splice site. This variant is present in population databases (rs773852385, gnomAD 0.006%). This variant has not been reported in the literature in individuals affected with COL1A2-related conditions. ClinVar contains an entry for this variant (Variation ID: 1422627). Algorithms developed to predict the effect of sequence changes on RNA splicing suggest that this variant is not likely to affect RNA splicing. In summary, the available evidence is currently insufficient to determine the role of this variant in disease. Therefore, it has been classified as a Variant of Uncertain Significance.

Ambry Genetics
Classification: Likely benign for Cardiovascular phenotype. Last evaluated: 2019-02-08. Review status: criteria provided, single submitter. Criteria: Ambry Variant Classification Scheme 2023. Collection method: clinical testing. Allele origin: germline.